The following is an entry in ClinVar:

NM_007194.4(CHEK2):c.214T>C (p.Tyr72His)

Gene: CHEK2 (checkpoint kinase 2; minus strand). Cytogenetic location: 22q12.1.
Variant type: single nucleotide variant.
Coding change: c.214T>C on transcript NM_007194.4 (MANE Select); coding-DNA position 214, T replaced by C.
Protein change: p.Tyr72His; replaces tyrosine 72 with histidine.
Molecular consequence: missense variant.
Genome position (GRCh38, 1-based): chr22:28,734,508, A>G on the plus strand (T>C on the coding strand, the complement: CHEK2 is on the minus strand). VCF-style: chr22-28734508-A-G. GRCh37 (hg19) VCF-style: chr22-29130496-A-G.
Other names: c.214T>C, p.Tyr72His (NM_001005735.3, NM_001349956.3, NM_145862.3); c.-564T>C (NM_001257387.3); short protein forms Y72H.
Identifiers: ClinVar variation 631074 (VCV000631074.7), dbSNP rs1569170484, ClinGen allele CA411090757.
Genomic context (GRCh38, chr22:28,734,508, plus strand): 5'-GGGCAGGGGTAGGCTCCTCAGGTTCTTGGTCCTCAGGTTCTTGGTCCTCAGGAATAGAAT[A>G]GAGTTCCTGAGTGGACACTGTCTCTAAGGAGCTCAGTGTCCCAGAGCTGGAGTGAGAGGA-3'
Protein context (NP_009125.1, residues 62-82): SLETVSTQEL[Tyr72His]SIPEDQEPED

ClinVar aggregate classification (germline): Uncertain significance. Review status: criteria provided, multiple submitters, no conflicts (2 of 4 stars). 3 submissions from 3 submitters: Uncertain significance (3). Last evaluated 2025-09-22.

Conditions:
Familial cancer of breast. Also called: hereditary breast carcinoma; BREAST CANCER, FAMILIAL; Hereditary breast cancer. Identifiers: Orphanet 227535, MedGen C0346153, MONDO:0016419, OMIM 114480. Disease mechanism: loss of function.
Hereditary cancer-predisposing syndrome. Also called: Tumor predisposition; Neoplastic Syndromes, Hereditary; Hereditary neoplastic syndrome; Hereditary Cancer Syndrome. Identifiers: Orphanet 140162, MedGen C0027672, MeSH D009386, MONDO:0015356.

Submissions (3):

Ambry Genetics
Classification: Uncertain significance for Hereditary cancer-predisposing syndrome. Last evaluated: 2025-09-22. Review status: criteria provided, single submitter. Criteria: Ambry Variant Classification Scheme 2023. Collection method: clinical testing. Allele origin: germline.
Comment: The p.Y72H variant (also known as c.214T>C), located in coding exon 1 of the CHEK2 gene, results from a T to C substitution at nucleotide position 214. The tyrosine at codon 72 is replaced by histidine, an amino acid with similar properties. This amino acid position is conserved. In addition, this alteration is predicted to be tolerated by in silico analysis. Based on the available evidence, the clinical significance of this variant remains unclear.

Labcorp Genetics (formerly Invitae), Labcorp
Classification: Uncertain significance for Familial cancer of breast. Last evaluated: 2024-03-11. Review status: criteria provided, single submitter. Criteria: Invitae Variant Classification Sherloc (09022015). Collection method: clinical testing. Allele origin: germline.
Comment: This sequence change replaces tyrosine, which is neutral and polar, with histidine, which is basic and polar, at codon 72 of the CHEK2 protein (p.Tyr72His). This variant is not present in population databases (gnomAD no frequency). This variant has not been reported in the literature in individuals affected with CHEK2-related conditions. ClinVar contains an entry for this variant (Variation ID: 631074). An algorithm developed to predict the effect of missense changes on protein structure and function (PolyPhen-2) suggests that this variant is likely to be tolerated. In summary, the available evidence is currently insufficient to determine the role of this variant in disease. Therefore, it has been classified as a Variant of Uncertain Significance.

Color Diagnostics, LLC DBA Color Health
Classification: Uncertain significance for Hereditary cancer-predisposing syndrome. Last evaluated: 2024-03-06. Review status: criteria provided, single submitter. Criteria: ACMG Guidelines, 2015. Collection method: clinical testing. Allele origin: germline.
Comment: This missense variant replaces tyrosine with histidine at codon 72 of the CHEK2 protein. Computational prediction suggests that this variant may not impact protein structure and function (internally defined REVEL score threshold <= 0.5, PMID: 27666373). To our knowledge, functional studies have not been reported for this variant. This variant has not been reported in individuals affected with hereditary cancer in the literature. This variant has not been identified in the general population by the Genome Aggregation Database (gnomAD). The available evidence is insufficient to determine the role of this variant in disease conclusively. Therefore, this variant is classified as a Variant of Uncertain Significance.